The following is an entry in ClinVar:

NM_017654.4(SAMD9):c.3519dup (p.Glu1174fs)

Gene: SAMD9 (sterile alpha motif domain containing 9; minus strand). Cytogenetic location: 7q21.2.
Variant type: Duplication.
Coding change: c.3519dup on transcript NM_017654.4 (MANE Select); coding-DNA position 3519, one base duplicated (A; older notation c.3519dupA).
Protein change: p.Glu1174fs; shifts the reading frame from glutamic acid 1174.
Molecular consequence: frameshift variant.
Genome position (GRCh38, 1-based): chr7:93,102,579, T duplicated on the plus strand (A on the coding strand, the reverse complement: SAMD9 is on the minus strand). VCF-style (leftmost placement, unchanged base first): chr7-93102578-C-CT. GRCh37 (hg19) VCF-style: chr7-92731891-C-CT.
Other names: c.3519dup, p.Glu1174fs (NM_001193307.2); short protein forms E1174fs.
Identifiers: ClinVar variation 3002665 (VCV003002665.3), dbSNP rs1791552740, ClinGen allele CA1104513063.

ClinVar aggregate classification (germline): Uncertain significance (1 of 4 stars; one submission).

Allele frequency attached by ClinVar (database versions not stated): TOPMed below 0.00001; gnomAD 0.00001.

Submission:

Labcorp Genetics (formerly Invitae), Labcorp
Classification: Uncertain significance. Last evaluated: 2022-11-25. Review status: criteria provided, single submitter. Criteria: Invitae Variant Classification Sherloc (09022015). Collection method: clinical testing. Allele origin: germline.
Comment: In summary, the available evidence is currently insufficient to determine the role of this variant in disease. Therefore, it has been classified as a Variant of Uncertain Significance. This sequence change creates a premature translational stop signal (p.Glu1174Argfs*3) in the SAMD9 gene. While this is not anticipated to result in nonsense mediated decay, it is expected to disrupt the last 416 amino acid(s) of the SAMD9 protein. This variant is not present in population databases (gnomAD no frequency). This variant has not been reported in the literature in individuals affected with SAMD9-related conditions. Experimental studies and prediction algorithms are not available or were not evaluated, and the functional significance of this variant is currently unknown.